The following is an entry in ClinVar:

ClinVar aggregate classification (germline): Benign (0 of 4 stars; one submission).

Conditions:
KRT85-related disorder. Also called: KRT85-related condition.

Allele frequency attached by ClinVar (database versions not stated): 1000 Genomes Project 0.00479; 1000 Genomes Project 30x 0.00515; TOPMed 0.00961; ESP Exome Variant Server 0.01146; ExAC 0.01387.
gnomAD v4.1: 21,655 of 1,614,158 alleles (1.3%); highest among the groups gnomAD compares: Non-Finnish European, 1.6%; 211 homozygotes.

Submission:

PreventionGenetics, part of Exact Sciences
Classification: Benign for KRT85-related condition. Last evaluated: 2019-02-27. Review status: no assertion criteria provided. Collection method: clinical testing. Allele origin: germline.
Comment: This variant is classified as benign based on ACMG/AMP sequence variant interpretation guidelines (Richards et al. 2015 PMID: 25741868, with internal and published modifications).

NM_002283.4(KRT85):c.630-21C>T

Gene: KRT85 (keratin 85; minus strand). Cytogenetic location: 12q13.13.
Variant type: single nucleotide variant.
Coding change: c.630-21C>T on transcript NM_002283.4 (MANE Select); 21 bases into the intron before coding-DNA position 630, C replaced by T.
Molecular consequence: intron variant. On other transcripts: missense variant (1).
Genome position (GRCh38, 1-based): chr12:52,364,387, G>A on the plus strand (C>T on the coding strand, the complement: KRT85 is on the minus strand). VCF-style: chr12-52364387-G-A. GRCh37 (hg19) VCF-style: chr12-52758171-G-A.
Other names: c.34C>T, p.Pro12Ser (NM_001300810.1); short protein forms P12S.
Identifiers: ClinVar variation 3041839 (VCV003041839.2), dbSNP rs77184300, ClinGen allele CA6578213.
Genomic context (GRCh38, chr12:52,364,387, plus strand): 5'-ATTCTCTGCTGTGGCTCTCAGGGCCACCTCCTCTTCATACCTGGGTGTGGGAGAGAGAAG[G>A]TCTGGAGCTGAGAAACTGGACCTTGAATACCATCCCAACTCCTGGGCAAGTTCTTCCGGG-3'